The following is an entry in ClinVar:

NM_001136191.3(KANK2):c.367C>T (p.Arg123Trp)

Gene: KANK2 (KN motif and ankyrin repeat domains 2; minus strand). Cytogenetic location: 19p13.2.
Variant type: single nucleotide variant.
Coding change: c.367C>T on transcript NM_001136191.3 (MANE Select); coding-DNA position 367, C replaced by T.
Protein change: p.Arg123Trp; replaces arginine 123 with tryptophan.
Molecular consequence: missense variant.
Genome position (GRCh38, 1-based): chr19:11,193,713, G>A on the plus strand (C>T on the coding strand, the complement: KANK2 is on the minus strand). VCF-style: chr19-11193713-G-A. GRCh37 (hg19) VCF-style: chr19-11304389-G-A.
Other names: c.367C>T, p.Arg123Trp (NM_001329451.2, NM_001379548.1, NM_001379549.1 and 15 more transcripts); short protein forms R123W.
Identifiers: ClinVar variation 2998783 (VCV002998783.3), dbSNP rs766779587, ClinGen allele CA9206090.
Genomic context (GRCh38, chr19:11,193,713, plus strand): 5'-TGGGTGTGGCCGCCTGGTCCTCGAGACGGCGACGGGCATCCAGCAGCGTGCGCTCCACCC[G>A]CGGATTGAAGCCACCGCGGGTCTCCAGAGCACCATACTGAGGGTAGAAGCCACGGCCGCA-3'
Protein context (NP_001129663.1, residues 113-133): ALETRGGFNP[Arg123Trp]VERTLLDARR

ClinVar aggregate classification (germline): Uncertain significance (1 of 4 stars; one submission).

Allele frequency attached by ClinVar (database versions not stated): ExAC 0.00001; TOPMed 0.00002.
gnomAD v4.1: 11 of 1,611,974 alleles (0.00068%); highest among the groups gnomAD compares: African/African-American, 0.008%; no homozygotes.

Submission:

Labcorp Genetics (formerly Invitae), Labcorp
Classification: Uncertain significance. Last evaluated: 2023-09-01. Review status: criteria provided, single submitter. Criteria: Invitae Variant Classification Sherloc (09022015). Collection method: clinical testing. Allele origin: germline.
Comment: An algorithm developed to predict the effect of missense changes on protein structure and function (PolyPhen-2) suggests that this variant is likely to be disruptive. This sequence change replaces arginine, which is basic and polar, with tryptophan, which is neutral and slightly polar, at codon 123 of the KANK2 protein (p.Arg123Trp). The frequency data for this variant in the population databases is considered unreliable, as metrics indicate poor data quality at this position in the gnomAD database. This variant has not been reported in the literature in individuals affected with KANK2-related conditions. In summary, the available evidence is currently insufficient to determine the role of this variant in disease. Therefore, it has been classified as a Variant of Uncertain Significance.